The following is an entry in ClinVar:

NM_000388.4(CASR):c.115C>T (p.Pro39Ser)

Gene: CASR (calcium sensing receptor; plus strand). Cytogenetic location: 3q21.1.
Variant type: single nucleotide variant.
Coding change: c.115C>T on transcript NM_000388.4 (MANE Select); coding-DNA position 115, C replaced by T.
Protein change: p.Pro39Ser; replaces proline 39 with serine.
Molecular consequence: missense variant.
Genome position (GRCh38, 1-based): chr3:122,254,304, C>T. VCF-style: chr3-122254304-C-T. GRCh37 (hg19) VCF-style: chr3-121973151-C-T.
Other names: c.115C>T, p.Pro39Ser (NM_001178065.2); short protein forms P39S.
Identifiers: ClinVar variation 1055583 (VCV001055583.9), dbSNP rs121909262, ClinGen allele CA82607564.
Genomic context (GRCh38, chr3:122,254,304, plus strand): 5'-GCCTACGGGCCAGACCAGCGAGCCCAAAAGAAGGGGGACATTATCCTTGGGGGGCTCTTT[C>T]CTATTCATTTTGGAGTAGCAGCTAAAGATCAAGATCTCAAATCAAGGCCGGAGTCTGTGG-3'
Protein context (NP_000379.3, residues 29-49): KGDIILGGLF[Pro39Ser]IHFGVAAKDQ

ClinVar aggregate classification (germline): Uncertain significance (1 of 4 stars; one submission).

Conditions:
Autosomal dominant hypocalcemia 1 (HYPOC1). Also called: HYPOCALCEMIA, FAMILIAL. Identifiers: MedGen C3715128, MONDO:0011013, OMIM 601198.
Familial hypocalciuric hypercalcemia (FHH). Also called: Familial benign hypercalcemia. Identifiers: Orphanet 405, MedGen C1809471, MONDO:0018458.

Submission:

Labcorp Genetics (formerly Invitae), Labcorp
Classification: Uncertain significance for Familial hypocalciuric hypercalcemia; Autosomal dominant hypocalcemia 1. Last evaluated: 2020-09-17. Review status: criteria provided, single submitter. Criteria: Invitae Variant Classification Sherloc (09022015). Collection method: clinical testing. Allele origin: germline.
Comment: Algorithms developed to predict the effect of missense changes on protein structure and function (SIFT, PolyPhen-2, Align-GVGD) all suggest that this variant is likely to be disruptive, but these predictions have not been confirmed by published functional studies and their clinical significance is uncertain. This variant has not been reported in the literature in individuals with CASR-related conditions. This variant is not present in population databases (ExAC no frequency). This sequence change replaces proline with serine at codon 39 of the CASR protein (p.Pro39Ser). The proline residue is highly conserved and there is a moderate physicochemical difference between proline and serine. In summary, the available evidence is currently insufficient to determine the role of this variant in disease. Therefore, it has been classified as a Variant of Uncertain Significance.